The following is an entry in ClinVar:

ClinVar aggregate classification (germline): Uncertain significance (1 of 4 stars; one submission).

gnomAD v4.1: 204 of 1,614,054 alleles (0.013%); highest among the groups gnomAD compares: Non-Finnish European, 0.017%; no homozygotes.

Submission:

Labcorp Genetics (formerly Invitae), Labcorp
Classification: Uncertain significance. Last evaluated: 2025-07-28. Review status: criteria provided, single submitter. Criteria: Invitae Variant Classification Sherloc (09022015). Collection method: clinical testing. Allele origin: germline.
Comment: This sequence change replaces arginine, which is basic and polar, with glutamine, which is neutral and polar, at codon 895 of the ITGA8 protein (p.Arg895Gln). This variant is present in population databases (rs368464139, gnomAD 0.01%). This variant has not been reported in the literature in individuals affected with ITGA8-related conditions. An algorithm developed to predict the effect of missense changes on protein structure and function outputs the following: PolyPhen-2: "Benign". The glutamine amino acid residue is found in multiple mammalian species, which suggests that this missense change does not adversely affect protein function. In summary, the available evidence is currently insufficient to determine the role of this variant in disease. Therefore, it has been classified as a Variant of Uncertain Significance.

NM_003638.3(ITGA8):c.2684G>A (p.Arg895Gln)

Gene: ITGA8 (integrin subunit alpha 8; minus strand). Cytogenetic location: 10p13.
Variant type: single nucleotide variant.
Coding change: c.2684G>A on transcript NM_003638.3 (MANE Select); coding-DNA position 2684, G replaced by A.
Protein change: p.Arg895Gln; replaces arginine 895 with glutamine.
Molecular consequence: missense variant.
Genome position (GRCh38, 1-based): chr10:15,558,156, C>T on the plus strand (G>A on the coding strand, the complement: ITGA8 is on the minus strand). VCF-style: chr10-15558156-C-T. GRCh37 (hg19) VCF-style: chr10-15600155-C-T.
Other names: c.2639G>A, p.Arg880Gln (NM_001291494.2); short protein forms R895Q, R880Q.
Identifiers: ClinVar variation 4740096 (VCV004740096.1).